The following is an entry in ClinVar:

ClinVar aggregate classification (germline): Likely pathogenic (1 of 4 stars; one submission).

Conditions:
PMM2-congenital disorder of glycosylation. Also called: PMM2-CDG; CDG Ia; JAEKEN SYNDROME; PHOSPHOMANNOMUTASE 2 DEFICIENCY; CARBOHYDRATE-DEFICIENT GLYCOPROTEIN SYNDROME, TYPE Ia; Congenital disorder of glycosylation, type Ia. Identifiers: Orphanet 79318, MedGen C0349653, MONDO:0008907, OMIM 212065.

gnomAD v4.1: 2 of 1,607,382 alleles (0.00012%); highest among the groups gnomAD compares: Non-Finnish European, 0.00017%; no homozygotes.

Submission:

Labcorp Genetics (formerly Invitae), Labcorp
Classification: Likely pathogenic for PMM2-congenital disorder of glycosylation. Last evaluated: 2023-10-04. Review status: criteria provided, single submitter. Criteria: Invitae Variant Classification Sherloc (09022015). Collection method: clinical testing. Allele origin: germline.
Comment: This sequence change replaces threonine, which is neutral and polar, with alanine, which is neutral and non-polar, at codon 18 of the PMM2 protein (p.Thr18Ala). This variant is not present in population databases (gnomAD no frequency). This variant has not been reported in the literature in individuals affected with PMM2-related conditions. Advanced modeling of protein sequence and biophysical properties (such as structural, functional, and spatial information, amino acid conservation, physicochemical variation, residue mobility, and thermodynamic stability) performed at Invitae indicates that this missense variant is expected to disrupt PMM2 protein function. This variant disrupts the p.Thr18Ser amino acid residue in PMM2. Other variant(s) that disrupt this residue have been determined to be pathogenic (PMID: 15844218, 16435227, 28139241). This suggests that this residue is clinically significant, and that variants that disrupt this residue are likely to be disease-causing. In summary, the currently available evidence indicates that the variant is pathogenic, but additional data are needed to prove that conclusively. Therefore, this variant has been classified as Likely Pathogenic.

Literature cited by the submitters: PubMed 15844218; PubMed 16435227; PubMed 28139241.

NM_000303.3(PMM2):c.52A>G (p.Thr18Ala)

Gene: PMM2 (phosphomannomutase 2; plus strand). Cytogenetic location: 16p13.2.
Variant type: single nucleotide variant.
Coding change: c.52A>G on transcript NM_000303.3 (MANE Select); coding-DNA position 52, A replaced by G.
Protein change: p.Thr18Ala; replaces threonine 18 with alanine.
Molecular consequence: missense variant.
Genome position (GRCh38, 1-based): chr16:8,797,934, A>G. VCF-style: chr16-8797934-A-G. GRCh37 (hg19) VCF-style: chr16-8891791-A-G.
Other names: short protein forms T18A.
Identifiers: ClinVar variation 2840279 (VCV002840279.3), dbSNP rs757040733, ClinGen allele CA394694886.